The following is an entry in ClinVar:

ClinVar aggregate classification (germline): Uncertain significance. Review status: criteria provided, multiple submitters, no conflicts (2 of 4 stars). 2 submissions from 2 submitters: Uncertain significance (2). Last evaluated 2025-07-02.

Conditions:
Dyskeratosis congenita, autosomal recessive 5 (DKCB5). Identifiers: MedGen C3554656, MONDO:0014076, OMIM 615190.
Pulmonary fibrosis and/or bone marrow failure, Telomere-related, 3. Also called: PULMONARY FIBROSIS AND/OR BONE MARROW FAILURE SYNDROME, TELOMERE-RELATED, 3. Identifiers: Orphanet 2032, MedGen C4225346, MONDO:0014613, OMIM 616373.
Inborn genetic diseases. Identifiers: MedGen C0950123, MeSH D030342.

Allele frequency attached by ClinVar (database versions not stated): gnomAD exomes below 0.00001.
gnomAD v4.1: 1 of 1,612,428 alleles (0.000062%); highest among the groups gnomAD compares: South Asian, 0.0011%; no homozygotes.

Submissions (2):

Labcorp Genetics (formerly Invitae), Labcorp
Classification: Uncertain significance for Dyskeratosis congenita, autosomal recessive 5; Pulmonary fibrosis and/or bone marrow failure, Telomere-related, 3. Last evaluated: 2025-07-02. Review status: criteria provided, single submitter. Criteria: Invitae Variant Classification Sherloc (09022015). Collection method: clinical testing. Allele origin: germline.
Comment: This sequence change replaces arginine, which is basic and polar, with glycine, which is neutral and non-polar, at codon 895 of the RTEL1 protein (p.Arg895Gly). This variant is not present in population databases (gnomAD no frequency). This variant has not been reported in the literature in individuals affected with RTEL1-related conditions. ClinVar contains an entry for this variant (Variation ID: 1001658). An algorithm developed to predict the effect of missense changes on protein structure and function outputs the following: PolyPhen-2: "Benign". The glycine amino acid residue is found in multiple mammalian species, which suggests that this missense change does not adversely affect protein function. In summary, the available evidence is currently insufficient to determine the role of this variant in disease. Therefore, it has been classified as a Variant of Uncertain Significance.

Ambry Genetics
Classification: Uncertain significance for Inborn genetic diseases. Last evaluated: 2025-03-17. Review status: criteria provided, single submitter. Criteria: Ambry Variant Classification Scheme 2023. Collection method: clinical testing. Allele origin: germline.

NM_001283009.2(RTEL1):c.2683A>G (p.Arg895Gly)

Genes: RTEL1 (regulator of telomere elongation helicase 1; plus strand), RTEL1-TNFRSF6B (RTEL1-TNFRSF6B readthrough (NMD candidate); plus strand). Cytogenetic location: 20q13.33.
Variant type: single nucleotide variant.
Coding change: c.2683A>G on transcript NM_001283009.2 (MANE Select); coding-DNA position 2683, A replaced by G.
Protein change: p.Arg895Gly; replaces arginine 895 with glycine.
Molecular consequence: missense variant. On other transcripts: non-coding transcript variant (1).
Genome position (GRCh38, 1-based): chr20:63,692,835, A>G. VCF-style: chr20-63692835-A-G. GRCh37 (hg19) VCF-style: chr20-62324188-A-G.
Other names: c.2014A>G, p.Arg672Gly (NM_001283010.1); c.2683A>G, p.Arg895Gly (NM_016434.4); c.2755A>G, p.Arg919Gly (NM_032957.5); c.2755A>G (NM_032957.4); short protein forms R672G, R895G, R919G.
Identifiers: ClinVar variation 1001658 (VCV001001658.4), dbSNP rs2090785759, ClinGen allele CA409682829.
Genomic context (GRCh38, chr20:63,692,835, plus strand): 5'-CTGATGGAGCCTCGGGCCTGTGTCCTGCAGGAGGAGCCCGTGGCTGGTGCACAGACGGAC[A>G]GGGCCAAGCTCTTCATGGTGGCCGTGAAGCAGGAGTTGAGCCAAGCCAACTTTGCCACCT-3'
Protein context (NP_001269938.1, residues 885-905): EEPVAGAQTD[Arg895Gly]AKLFMVAVKQ